The following is an entry in ClinVar:

NM_002435.3(MPI):c.1157C>T (p.Thr386Ile)

Gene: MPI (mannose phosphate isomerase; plus strand). Cytogenetic location: 15q24.1.
Variant type: single nucleotide variant.
Coding change: c.1157C>T on transcript NM_002435.3 (MANE Select); coding-DNA position 1157, C replaced by T.
Protein change: p.Thr386Ile; replaces threonine 386 with isoleucine.
Molecular consequence: missense variant. On other transcripts: 3 prime UTR variant (1).
Genome position (GRCh38, 1-based): chr15:74,897,615, C>T. VCF-style: chr15-74897615-C-T. GRCh37 (hg19) VCF-style: chr15-75189956-C-T.
Other names: c.*84C>T (NM_001289155.2); c.1007C>T, p.Thr336Ile (NM_001289156.2); c.974C>T, p.Thr325Ile (NM_001289157.2); c.1097C>T, p.Thr366Ile (NM_001330372.2); short protein forms T325I, T366I, T386I, T336I.
Identifiers: ClinVar variation 1383896 (VCV001383896.3), dbSNP rs2141209748, ClinGen allele CA393179390.

ClinVar aggregate classification (germline): Uncertain significance (1 of 4 stars; one submission).

Conditions:
MPI-congenital disorder of glycosylation. Also called: CONGENITAL DISORDER OF GLYCOSYLATION, TYPE Ib; MANNOSEPHOSPHATE ISOMERASE DEFICIENCY; PROTEIN-LOSING ENTEROPATHY-HEPATIC FIBROSIS SYNDROME; MPI-CDG; CDG Ib; MPI DEFICIENCY. Identifiers: Orphanet 79319, MedGen C1865145, MONDO:0011257, OMIM 602579.

Allele frequency attached by ClinVar (database versions not stated): gnomAD exomes below 0.00001.

Submission:

Labcorp Genetics (formerly Invitae), Labcorp
Classification: Uncertain significance for MPI-congenital disorder of glycosylation. Last evaluated: 2021-11-21. Review status: criteria provided, single submitter. Criteria: Invitae Variant Classification Sherloc (09022015). Collection method: clinical testing. Allele origin: germline.
Comment: This sequence change replaces threonine, which is neutral and polar, with isoleucine, which is neutral and non-polar, at codon 386 of the MPI protein (p.Thr386Ile). This variant is not present in population databases (gnomAD no frequency). This variant has not been reported in the literature in individuals affected with MPI-related conditions. Algorithms developed to predict the effect of missense changes on protein structure and function (SIFT, PolyPhen-2, Align-GVGD) all suggest that this variant is likely to be tolerated. In summary, the available evidence is currently insufficient to determine the role of this variant in disease. Therefore, it has been classified as a Variant of Uncertain Significance.